The following is an entry in ClinVar:

NM_000053.4(ATP7B):c.1727_1728del (p.Ala576fs)

Gene: ATP7B (ATPase copper transporting beta; minus strand). Cytogenetic location: 13q14.3.
Variant type: Microsatellite.
Coding change: c.1727_1728del on transcript NM_000053.4 (MANE Select); coding-DNA positions 1727 to 1728, 2 bases deleted (CG; older notation c.1727_1728delCG).
Protein change: p.Ala576fs; shifts the reading frame from alanine 576.
Molecular consequence: frameshift variant.
Genome position (GRCh38, 1-based): chr13:51,965,013-51,965,014, CG deleted on the plus strand (CG on the coding strand, the reverse complement: ATP7B is on the minus strand); deleting any 2 consecutive bases within chr13:51,965,013-51,965,017 gives the same sequence; the c. name uses the placement nearest the transcript's 3' end. VCF-style (leftmost placement, unchanged base first): chr13-51965012-ACG-A. GRCh37 (hg19) VCF-style: chr13-52539148-ACG-A.
Other names: c.1727_1728del, p.Ala576fs (NM_001005918.3, NM_001330578.2, NM_001330579.2); c.1394_1395del, p.Ala465fs (NM_001243182.2); c.1724_1725GC[1], p.Ala576Valfs (NM_001406511.1, NM_001406512.1, NM_001406513.1 and 21 more transcripts); c.1691_1692GC[1], p.Ala565Valfs (NM_001406514.1, NM_001406524.1); c.1628_1629GC[1], p.Ala544Valfs (NM_001406517.1, NM_001406518.1, NM_001406530.1 and 3 more transcripts); c.1295_1296GC[1], p.Ala433Valfs (NM_001406539.1); short protein forms A465fs, A576fs.
Identifiers: ClinVar variation 1725259 (VCV001725259.2), dbSNP rs2547753785, ClinGen allele CA2580614792.

ClinVar aggregate classification (germline): Likely pathogenic (1 of 4 stars; one submission).

Conditions:
Wilson disease (WND). Also called: Wilson's disease. Identifiers: Orphanet 905, MedGen C0019202, MONDO:0010200, OMIM 277900. Disease mechanism: loss of function.

Submission:

Myriad Genetics, Inc.
Classification: Likely pathogenic for Wilson disease. Last evaluated: 2021-12-02. Review status: criteria provided, single submitter. Criteria: Myriad Women's Health Autosomal Recessive and X-Linked Classification Criteria (2021). Collection method: clinical testing. Allele origin: unknown.
Comment: NM_000053.3(ATP7B):c.1727_1728delCG(A576Vfs*31) is expected to be pathogenic in the context of Wilson disease. This variant is predicted to lead to an abnormal or absent protein product due to the creation of a premature termination codon in ATP7B, a gene where loss-of-function variants are known to be pathogenic. Please note: this variant was assessed in the context of healthy population screening.